The following is an entry in ClinVar:

NM_153033.5(KCTD7):c.-29del

Genes: KCTD7 (potassium channel tetramerization domain containing 7; plus strand), LOC129998533 (ATAC-STARR-seq lymphoblastoid silent region 18210; plus strand). Cytogenetic location: 7q11.21.
Variant type: Deletion.
Coding change: c.-29del on transcript NM_153033.5 (MANE Select); 29 bases upstream of the start codon, one base deleted (A; older notation c.-29delA).
Molecular consequence: 5 prime UTR variant.
Genome position (GRCh38, 1-based): chr7:66,629,036, A deleted; the last of 2 consecutive A bases (chr7:66,629,035-66,629,036); deleting either gives the same sequence. VCF-style (leftmost placement, unchanged base first): chr7-66629034-GA-G. GRCh37 (hg19) VCF-style: chr7-66094021-GA-G.
Other names: c.-29del (NM_001167961.2); c.-29delA (NM_153033.4).
Identifiers: ClinVar variation 420135 (VCV000420135.1), dbSNP rs766409684, ClinGen allele CA4278138.
Genomic context (GRCh38, chr7:66,629,034, plus strand): 5'-CGTCATGCCAGGCGCTGCTCGGCGGTAGGGAGTGCCCGGGGCCGCCGCCTCCGCCCGCCC[GA>G]AGCCGCGCCCACTGCCCAGAGCCAGAGGGATGGTGGTAGTCACGGGGCGGGAGCCAGACA-3'

ClinVar aggregate classification (germline): Likely benign (1 of 4 stars; one submission).

Submission:

GeneDx
Classification: Likely benign. Last evaluated: 2015-11-13. Review status: criteria provided, single submitter. Criteria: GeneDx Variant Classification (06012015). Collection method: clinical testing. Allele origin: germline. Affected: yes.
Comment: This variant is considered likely benign or benign based on one or more of the following criteria: it is a conservative change, it occurs at a poorly conserved position in the protein, it is predicted to be benign by multiple in silico algorithms, and/or has population frequency not consistent with disease.